The following is an entry in ClinVar:

ClinVar aggregate classification (germline): Uncertain significance (1 of 4 stars; one submission).

Submission:

GeneDx
Classification: Uncertain significance. Last evaluated: 2022-10-10. Review status: criteria provided, single submitter. Criteria: GeneDx Variant Classification Process June 2021. Collection method: clinical testing. Allele origin: germline. Affected: yes.
Comment: Not observed at significant frequency in large population cohorts (gnomAD); In silico analysis supports that this missense variant does not alter protein structure/function; Has not been previously published as pathogenic or benign to our knowledge

NM_182931.3(KMT2E):c.3881A>G (p.His1294Arg)

Gene: KMT2E (lysine methyltransferase 2E (inactive); plus strand). Cytogenetic location: 7q22.3.
Variant type: single nucleotide variant.
Coding change: c.3881A>G on transcript NM_182931.3 (MANE Select); coding-DNA position 3881, A replaced by G.
Protein change: p.His1294Arg; replaces histidine 1294 with arginine.
Molecular consequence: missense variant. On other transcripts: intron variant (1).
Genome position (GRCh38, 1-based): chr7:105,110,513, A>G. VCF-style: chr7-105110513-A-G. GRCh37 (hg19) VCF-style: chr7-104750960-A-G.
Other names: c.3881A>G, p.His1294Arg (NM_018682.4); c.3844+145A>G (NM_001410908.1); short protein forms H1294R.
Identifiers: ClinVar variation 2499317 (VCV002499317.1), dbSNP rs2536518469, ClinGen allele CA368790861.